The following is an entry in ClinVar:

NM_001146079.2(CLDN14):c.633C>T (p.Tyr211=)

Genes: CLDN14 (claudin 14; minus strand), CLDN14-AS1 (CLDN14 antisense RNA 1; plus strand). Cytogenetic location: 21q22.13.
Variant type: single nucleotide variant.
Coding change: c.633C>T on transcript NM_001146079.2 (MANE Select); coding-DNA position 633, C replaced by T.
Protein change: p.Tyr211=; no amino-acid change (tyrosine 211 retained).
Molecular consequence: synonymous variant.
Genome position (GRCh38, 1-based): chr21:36,461,063, G>A on the plus strand (C>T on the coding strand, the complement: CLDN14 is on the minus strand). VCF-style: chr21-36461063-G-A. GRCh37 (hg19) VCF-style: chr21-37833361-G-A.
Other names: c.633C>T, p.Tyr211= (NM_001146077.2, NM_001146078.3, NM_012130.4 and 1 more transcripts).
Identifiers: ClinVar variation 44086 (VCV000044086.19), dbSNP rs61745291, ClinGen allele CA133528.
Genomic context (GRCh38, chr21:36,461,063, plus strand): 5'-GCTGTGCGTGGCCGAGGTCACTGAGGGGGCCCGATTGTCTTTGTAGGCAGCTGGTGGCTG[G>A]TAGGCAGGTGCGGTGTTTGCAGTGGTCGTGGTGGCCCTGGGCGGGGCCTGGTAGGGCCTG-3'
Protein context (NP_001139551.1, residues 201-221): TTTTANTAPA[Tyr211=]QPPAAYKDNR

ClinVar aggregate classification (germline): Benign. Review status: criteria provided, multiple submitters, no conflicts (2 of 4 stars). 6 submissions from 6 submitters: Benign (6). Last evaluated 2026-01-27.

Conditions:
Autosomal recessive nonsyndromic hearing loss 29. Identifiers: Orphanet 90636, MedGen C3279660, MONDO:0013537, OMIM 614035.

Allele frequency attached by ClinVar (database versions not stated): gnomAD exomes 0.00202 and 0.00509; ExAC 0.00628; gnomAD 0.01850 and 0.01969; TOPMed 0.02119; ESP Exome Variant Server 0.02153; 1000 Genomes Project 30x 0.02342; 1000 Genomes Project 0.02356.
gnomAD v4.1: 5,920 of 1,614,066 alleles (0.37%); highest among the groups gnomAD compares: African/African-American, 6.6%; 206 homozygotes.

Submissions (6):

Labcorp Genetics (formerly Invitae), Labcorp
Classification: Benign. Last evaluated: 2026-01-27. Review status: criteria provided, single submitter. Criteria: Invitae Variant Classification Sherloc (09022015). Collection method: clinical testing. Allele origin: germline.

Athena Diagnostics
Classification: Benign. Last evaluated: 2018-05-24. Review status: criteria provided, single submitter. Criteria: Athena Diagnostics Criteria. Collection method: clinical testing. Allele origin: germline.

GeneDx
Classification: Benign. Last evaluated: 2017-12-18. Review status: criteria provided, single submitter. Criteria: GeneDx Variant Classification (06012015). Collection method: clinical testing. Allele origin: germline. Affected: yes.
Comment: This variant is considered likely benign or benign based on one or more of the following criteria: it is a conservative change, it occurs at a poorly conserved position in the protein, it is predicted to be benign by multiple in silico algorithms, and/or has population frequency not consistent with disease.

Illumina Laboratory Services, Illumina
Classification: Benign for Autosomal recessive nonsyndromic hearing loss 29. Last evaluated: 2017-07-28. Review status: criteria provided, single submitter. Criteria: ICSL Variant Classification Criteria 13 December 2019. Collection method: clinical testing. Allele origin: germline.
Comment: This variant was observed as part of a predisposition screen in an ostensibly healthy population. A literature search was performed for the gene, cDNA change, and amino acid change (where applicable). Publications were found based on this search. The evidence from the literature, in combination with allele frequency data from public databases where available, was sufficient to rule this variant out of causing disease. Therefore, this variant is classified as benign.

Laboratory for Molecular Medicine, Mass General Brigham Personalized Medicine
Classification: Benign. Last evaluated: 2012-05-07. Review status: criteria provided, single submitter. Criteria: LMM Criteria. Collection method: clinical testing. Allele origin: germline. Observed: 18 variant alleles.
Comment: "Tyr211Tyr in Exon 03 of CLDN14: This variant is not expected to have clinical s ignificance because it does not alter an amino acid residue, is not located with in the splice consensus sequence, and has been identified in 6.0% (225/3738) of African American chromosomes from a broad population by the NHLBI Exome Sequenci ng Project (dbSNP rs61745291)."

Breakthrough Genomics
Classification: Benign. Review status: criteria provided, single submitter. Criteria: ACMG Guidelines, 2015. Collection method: not provided. Allele origin: germline. Inheritance: Autosomal recessive inheritance. Affected: yes.

Literature cited by the submitters: PubMed 23590985 (cited by Illumina Laboratory Services, Illumina).